The following is an entry in ClinVar:

NM_004946.3(DOCK2):c.2352A>G (p.Gln784=)

Gene: DOCK2 (dedicator of cytokinesis 2; plus strand). Cytogenetic location: 5q35.1.
Variant type: single nucleotide variant.
Coding change: c.2352A>G on transcript NM_004946.3 (MANE Select); coding-DNA position 2352, A replaced by G.
Protein change: p.Gln784=; no amino-acid change (glutamine 784 retained).
Molecular consequence: synonymous variant. On other transcripts: non-coding transcript variant (1).
Genome position (GRCh38, 1-based): chr5:169,747,480, A>G. VCF-style: chr5-169747480-A-G. GRCh37 (hg19) VCF-style: chr5-169174484-A-G.
Other names: p.Gln784=; c.2352A>G, p.Gln784= (LRG_1227t1).
Identifiers: ClinVar variation 476007 (VCV000476007.16), dbSNP rs13155521, ClinGen allele CA3553728.

ClinVar aggregate classification (germline): Benign. Review status: criteria provided, multiple submitters, no conflicts (2 of 4 stars). 3 submissions from 3 submitters: Benign (3). Last evaluated 2026-02-04.

Conditions:
DOCK2 deficiency. Also called: Immunodeficiency 40. Identifiers: Orphanet 447737, MedGen C4225328, MONDO:0014637, OMIM 616433.

Allele frequency attached by ClinVar (database versions not stated): 1000 Genomes Project 0.01797; 1000 Genomes Project 30x 0.01843; TOPMed 0.04049; gnomAD exomes 0.04172 and 0.06424; gnomAD 0.04184 and 0.04295; ExAC 0.04189; ESP Exome Variant Server 0.05136.
gnomAD v4.1: 99,643 of 1,613,356 alleles (6.2%); highest among the groups gnomAD compares: Non-Finnish European, 7.5%; 3,625 homozygotes.

Submissions (19):

Labcorp Genetics (formerly Invitae), Labcorp
Classification: Benign for DOCK2 deficiency. Last evaluated: 2026-02-04. Review status: criteria provided, single submitter. Criteria: Invitae Variant Classification Sherloc (09022015). Collection method: clinical testing. Allele origin: germline.

Women's Health and Genetics/Laboratory Corporation of America, LabCorp
Classification: Benign. Last evaluated: 2026-01-21. Review status: criteria provided, single submitter. Criteria: LabCorp Variant Classification Summary - May 2015. Collection method: clinical testing. Allele origin: germline.

Mayo Clinic Laboratories, Mayo Clinic
Classification: Benign. Last evaluated: 2024-06-27. Review status: criteria provided, single submitter. Criteria: ACMG Guidelines, 2015. Collection method: clinical testing. Allele origin: germline. Observed: 2 variant alleles.

Dr. Peter K. Rogan Lab, Western University
No classification provided (evidence only). Condition: Colorectal cancer. Review status: no classification provided. Collection method: in vitro. Allele origin: not applicable. Functional consequence: retained intron. Not counted in ClinVar's aggregate classification.

Dr. Peter K. Rogan Lab, Western University
No classification provided (evidence only). Condition: Sarcoma. Review status: no classification provided. Collection method: in vitro. Allele origin: not applicable. Functional consequence: retained intron. Not counted in ClinVar's aggregate classification.

Dr. Peter K. Rogan Lab, Western University
No classification provided (evidence only). Condition: Sarcoma. Review status: no classification provided. Collection method: in vitro. Allele origin: not applicable. Functional consequence: retained intron. Not counted in ClinVar's aggregate classification.

Dr. Peter K. Rogan Lab, Western University
No classification provided (evidence only). Condition: Sarcoma. Review status: no classification provided. Collection method: in vitro. Allele origin: not applicable. Functional consequence: retained intron. Not counted in ClinVar's aggregate classification.

Dr. Peter K. Rogan Lab, Western University
No classification provided (evidence only). Condition: Sarcoma. Review status: no classification provided. Collection method: in vitro. Allele origin: not applicable. Functional consequence: retained intron. Not counted in ClinVar's aggregate classification.

Dr. Peter K. Rogan Lab, Western University
No classification provided (evidence only). Condition: Sarcoma. Review status: no classification provided. Collection method: in vitro. Allele origin: not applicable. Functional consequence: retained intron. Not counted in ClinVar's aggregate classification.

Dr. Peter K. Rogan Lab, Western University
No classification provided (evidence only). Condition: Malignant lymphoma, large B-cell, diffuse. Review status: no classification provided. Collection method: in vitro. Allele origin: not applicable. Functional consequence: retained intron. Not counted in ClinVar's aggregate classification.

Dr. Peter K. Rogan Lab, Western University
No classification provided (evidence only). Condition: Hepatocellular carcinoma. Review status: no classification provided. Collection method: in vitro. Allele origin: not applicable. Functional consequence: retained intron. Not counted in ClinVar's aggregate classification.

Dr. Peter K. Rogan Lab, Western University
No classification provided (evidence only). Condition: Thymoma. Review status: no classification provided. Collection method: in vitro. Allele origin: not applicable. Functional consequence: retained intron. Not counted in ClinVar's aggregate classification.

Dr. Peter K. Rogan Lab, Western University
No classification provided (evidence only). Condition: Thymoma. Review status: no classification provided. Collection method: in vitro. Allele origin: not applicable. Functional consequence: retained intron. Not counted in ClinVar's aggregate classification.

Dr. Peter K. Rogan Lab, Western University
No classification provided (evidence only). Condition: Thymoma. Review status: no classification provided. Collection method: in vitro. Allele origin: not applicable. Functional consequence: retained intron. Not counted in ClinVar's aggregate classification.

Dr. Peter K. Rogan Lab, Western University
No classification provided (evidence only). Condition: Thymoma. Review status: no classification provided. Collection method: in vitro. Allele origin: not applicable. Functional consequence: retained intron. Not counted in ClinVar's aggregate classification.

Dr. Peter K. Rogan Lab, Western University
No classification provided (evidence only). Condition: Thymoma. Review status: no classification provided. Collection method: in vitro. Allele origin: not applicable. Functional consequence: retained intron. Not counted in ClinVar's aggregate classification.

Dr. Peter K. Rogan Lab, Western University
No classification provided (evidence only). Condition: Thymoma. Review status: no classification provided. Collection method: in vitro. Allele origin: not applicable. Functional consequence: retained intron. Not counted in ClinVar's aggregate classification.

Dr. Peter K. Rogan Lab, Western University
No classification provided (evidence only). Condition: Uterine carcinosarcoma. Review status: no classification provided. Collection method: in vitro. Allele origin: not applicable. Functional consequence: retained intron. Not counted in ClinVar's aggregate classification.

Dr. Peter K. Rogan Lab, Western University
No classification provided (evidence only). Condition: Uveal melanoma. Review status: no classification provided. Collection method: in vitro. Allele origin: not applicable. Functional consequence: retained intron. Not counted in ClinVar's aggregate classification.